The following is an entry in ClinVar:

NM_020975.6(RET):c.2091G>A (p.Leu697=)

Gene: RET (ret proto-oncogene; plus strand). Cytogenetic location: 10q11.21.
Variant type: single nucleotide variant.
Coding change: c.2091G>A on transcript NM_020975.6 (MANE Select); coding-DNA position 2091, G replaced by A.
Protein change: p.Leu697=; no amino-acid change (leucine 697 retained).
Molecular consequence: synonymous variant.
Genome position (GRCh38, 1-based): chr10:43,114,691, G>A. VCF-style: chr10-43114691-G-A. GRCh37 (hg19) VCF-style: chr10-43610139-G-A.
Other names: c.1329G>A, p.Leu443= (NM_001355216.2); c.2091G>A, p.Leu697= (NM_001406743.1, NM_001406744.1, NM_001406759.1 and 2 more transcripts); c.1962G>A, p.Leu654= (NM_001406761.1, NM_001406762.1, NM_001406764.1); c.1956G>A, p.Leu652= (NM_001406763.1, NM_001406765.1); c.1803G>A, p.Leu601= (NM_001406766.1, NM_001406767.1, NM_001406770.1); c.1827G>A, p.Leu609= (NM_001406768.1); c.1695G>A, p.Leu565= (NM_001406769.1, NM_001406772.1); c.1653G>A, p.Leu551= (NM_001406771.1, NM_001406773.1); and 10 more.
Identifiers: ClinVar variation 3904600 (VCV003904600.1).

ClinVar aggregate classification (germline): Benign (1 of 4 stars; one submission).

Conditions:
Multiple endocrine neoplasia type 2A. Also called: Multiple Endocrine Neoplasia Type 2A (MEN2A); MULTIPLE ENDOCRINE NEOPLASIA, TYPE IIA; PTC SYNDROME; SIPPLE SYNDROME; MEN 2A; MEN-2A syndrome. Identifiers: Orphanet 247698, Orphanet 653, MedGen C0025268, MeSH D018813, MONDO:0008234, OMIM 171400.

Submission:

Myriad Genetics, Inc.
Classification: Benign for Multiple endocrine neoplasia type 2A. Last evaluated: 2025-02-26. Review status: criteria provided, single submitter. Criteria: Myriad Autosomal Dominant, Autosomal Recessive and X-Linked Classification Criteria (2023). Collection method: clinical testing. Allele origin: unknown.
Comment: This variant is considered benign. This variant is a silent/synonymous amino acid change and it is not expected to impact splicing.